The following is an entry in ClinVar:

NM_000260.4(MYO7A):c.3827C>T (p.Ser1276Leu)

Gene: MYO7A (myosin VIIA; plus strand). Cytogenetic location: 11q13.5.
Variant type: single nucleotide variant.
Coding change: c.3827C>T on transcript NM_000260.4 (MANE Select); coding-DNA position 3827, C replaced by T.
Protein change: p.Ser1276Leu; replaces serine 1276 with leucine.
Molecular consequence: missense variant.
Genome position (GRCh38, 1-based): chr11:77,190,773, C>T. VCF-style: chr11-77190773-C-T. GRCh37 (hg19) VCF-style: chr11-76901818-C-T.
Other names: c.3827C>T, p.Ser1276Leu (NM_001127180.2); c.3794C>T, p.Ser1265Leu (NM_001369365.1); short protein forms S1276L, S1265L.
Identifiers: ClinVar variation 178283 (VCV000178283.15), dbSNP rs369458838, ClinGen allele CA278732.

ClinVar aggregate classification (germline): Uncertain significance. Review status: reviewed by expert panel (3 of 4 stars). 6 submissions from 6 submitters: Uncertain significance (1). 5 of the submissions do not count toward it. Last evaluated 2023-01-24.

Conditions:
Rare genetic deafness. Identifiers: Orphanet 96210, MedGen C5680250.
Usher syndrome. Also called: Usher Syndromes; Usher's syndrome. Identifiers: Orphanet 886, MedGen CN469326, MeSH D052245, MONDO:0019501. Disease mechanism: loss of function.
Usher syndrome type 1 (USH1). Also called: RETINITIS PIGMENTOSA AND CONGENITAL DEAFNESS. Identifiers: Orphanet 231169, Orphanet 886, MedGen C1568247, MONDO:0010168, OMIM 276900.
Autosomal recessive nonsyndromic hearing loss 2. Also called: NEUROSENSORY NONSYNDROMIC RECESSIVE DEAFNESS 2; DEAFNESS, AUTOSOMAL RECESSIVE 2. Identifiers: Orphanet 90636, MedGen C1838701, MONDO:0010807, OMIM 600060.

Allele frequency attached by ClinVar (database versions not stated): gnomAD exomes below 0.00001 and 0.00002; gnomAD 0.00001 and 0.00002; TOPMed 0.00001; ExAC 0.00006; ESP Exome Variant Server 0.00008.
gnomAD v4.1: 7 of 1,597,322 alleles (0.00044%); highest among the groups gnomAD compares: Admixed American, 0.0035%; no homozygotes.

Submissions (6):

ClinGen Hearing Loss Variant Curation Expert Panel
Classification: Uncertain significance for Usher syndrome. Last evaluated: 2023-01-24. Review status: reviewed by expert panel. Criteria: Clingen Hl Acmg Specifications Cdh23 Coch Gjb2 Kcnq4 Myo6 Myo7a Slc26a4 Tecta Ush2a V2. Collection method: curation. Allele origin: germline. Inheritance: Autosomal recessive inheritance.
Comment: The NM_000260.4:c.3827C>T variant in the MYO7A gene is a missense variant predicted to cause substitution of serine to leucine at amino acid 1276 (p.Ser1276Leu). The highest population minor allele frequency in gnomAD v2.1.1 is 0.0078% (1/12706) in African/African American population ( PM2_Supporting, BS1, and BA1 are not met). This variant has been detected in 1 patient with hearing loss in trans with a likely pathogenic variant (PM3; Partners LMM internal data SCV000204707.4). The computational predictor REVEL gives a score of 0.769, which is above the threshold of 0.7, evidence that correlates with impact to MYO7A function (PP3). In summary, due to limited evidence, this variant is classified as a variant of uncertain significance based on the ACMG/AMP criteria applied, as specified by the ClinGen Hearing Loss Variant Curation Expert Panel: PM3, PP3. (VCEP specifications version 2.0.0; Dec 21, 2022)

Blueprint Genetics
Classification: Uncertain significance. Last evaluated: 2024-06-12. Review status: criteria provided, single submitter. Criteria: ACMG Guidelines, 2015. Collection method: clinical testing. Allele origin: germline. Not counted in ClinVar's aggregate classification.

Labcorp Genetics (formerly Invitae), Labcorp
Classification: Uncertain significance. Last evaluated: 2024-04-29. Review status: criteria provided, single submitter. Criteria: Invitae Variant Classification Sherloc (09022015). Collection method: clinical testing. Allele origin: germline. Not counted in ClinVar's aggregate classification.
Comment: This sequence change replaces serine, which is neutral and polar, with leucine, which is neutral and non-polar, at codon 1276 of the MYO7A protein (p.Ser1276Leu). This variant is present in population databases (rs369458838, gnomAD 0.008%). This variant has not been reported in the literature in individuals affected with MYO7A-related conditions. ClinVar contains an entry for this variant (Variation ID: 178283). Advanced modeling of protein sequence and biophysical properties (such as structural, functional, and spatial information, amino acid conservation, physicochemical variation, residue mobility, and thermodynamic stability) has been performed at Invitae for this missense variant, however the output from this modeling did not meet the statistical confidence thresholds required to predict the impact of this variant on MYO7A protein function. In summary, the available evidence is currently insufficient to determine the role of this variant in disease. Therefore, it has been classified as a Variant of Uncertain Significance.

Laboratory for Molecular Medicine, Mass General Brigham Personalized Medicine
Classification: Likely pathogenic for Rare genetic deafness. Last evaluated: 2013-03-16. Review status: criteria provided, single submitter. Criteria: LMM Criteria. Collection method: clinical testing. Allele origin: germline. Inheritance: Autosomal recessive inheritance. Observed: 2 variant alleles. Not counted in ClinVar's aggregate classification.
Comment: The Ser1276Leu variant in MYO7A has not been reported in the literature nor iden tified by our laboratory in any other families. In addition, computational analyses (biochemical amino acid properties, conservation, AlignGVGD, PolyPhen2, and SIFT) suggest that the Ser1276Leu varian t may impact the protein. It should be noted that this variant has been identifi ed in 1/3582 (0.02%) African American chromosomes from a broad population (NHLBI Exome Sequencing Project), however, its frequ ency is low enough to be consistent with a recessive carrier frequency. In summa ry, this variant is likely to be pathogenic, though additional studies are requi red to fully establish its clinical significance.

Breakthrough Genomics
Classification: Uncertain significance. Review status: criteria provided, single submitter. Criteria: ACMG Guidelines, 2015. Collection method: not provided. Allele origin: germline. Inheritance: Autosomal recessive inheritance. Affected: yes. Not counted in ClinVar's aggregate classification.

Counsyl
Classification: Uncertain significance for Usher syndrome type 1; Autosomal recessive nonsyndromic hearing loss 2. Last evaluated: 2018-03-19. Review status: no assertion criteria provided. Collection method: clinical testing. Allele origin: unknown. Not counted in ClinVar's aggregate classification.